The following is an entry in ClinVar:

NM_017636.4(TRPM4):c.101T>G (p.Leu34Trp)

Gene: TRPM4 (transient receptor potential cation channel subfamily M member 4; plus strand). Cytogenetic location: 19q13.33.
Variant type: single nucleotide variant.
Coding change: c.101T>G on transcript NM_017636.4 (MANE Select); coding-DNA position 101, T replaced by G.
Protein change: p.Leu34Trp; replaces leucine 34 with tryptophan.
Molecular consequence: missense variant. On other transcripts: 5 prime UTR variant (1), intron variant (2).
Genome position (GRCh38, 1-based): chr19:49,166,049, T>G. VCF-style: chr19-49166049-T-G. GRCh37 (hg19) VCF-style: chr19-49669306-T-G.
Other names: c.101T>G, p.Leu34Trp (NM_001195227.2, NM_001321281.2); c.-1272T>G (NM_001321282.2); c.-74-2211T>G (NM_001321283.2); c.-237-2504T>G (NM_001321285.2); short protein forms L34W.
Identifiers: ClinVar variation 1720650 (VCV001720650.5), dbSNP rs1568456560, ClinGen allele CA406789326.

ClinVar aggregate classification (germline): Uncertain significance (1 of 4 stars; one submission).

Conditions:
Progressive familial heart block type IB (PFHB1B). Identifiers: Orphanet 871, MedGen C1970298, MONDO:0011474, OMIM 604559.

Allele frequency attached by ClinVar (database versions not stated): gnomAD exomes below 0.00001.
gnomAD v4.1: 1 of 1,595,816 alleles (0.000063%); highest among the groups gnomAD compares: East Asian, 0.0023%; no homozygotes.

Submission:

Labcorp Genetics (formerly Invitae), Labcorp
Classification: Uncertain significance for Progressive familial heart block type IB. Last evaluated: 2022-09-29. Review status: criteria provided, single submitter. Criteria: Invitae Variant Classification Sherloc (09022015). Collection method: clinical testing. Allele origin: germline.
Comment: This variant is not present in population databases (gnomAD no frequency). In summary, the available evidence is currently insufficient to determine the role of this variant in disease. Therefore, it has been classified as a Variant of Uncertain Significance. Algorithms developed to predict the effect of missense changes on protein structure and function are either unavailable or do not agree on the potential impact of this missense change (SIFT: "Deleterious"; PolyPhen-2: "Benign"; Align-GVGD: "Class C0"). This variant has not been reported in the literature in individuals affected with TRPM4-related conditions. This sequence change replaces leucine, which is neutral and non-polar, with tryptophan, which is neutral and slightly polar, at codon 34 of the TRPM4 protein (p.Leu34Trp).